The following is an entry in ClinVar:

NC_000011.9:g.(?_108098346)_(108236241_?)del

Gene: ATM (ATM serine/threonine kinase; plus strand). Cytogenetic location: 11q22.3.
Variant type: Deletion.
Identifiers: ClinVar variation 1075500 (VCV001075500.2).

ClinVar aggregate classification (germline): Pathogenic (1 of 4 stars; one submission).

Conditions:
Ataxia-telangiectasia syndrome (AT). Also called: Cerebello-oculocutaneous telangiectasia; Immunodeficiency with ataxia telangiectasia; ATAXIA-TELANGIECTASIA, FRESNO VARIANT; Ataxia-telangiectasia, complementation group D; Ataxia telangiectasia (A-T); LOUIS-BAR SYNDROME. Identifiers: Orphanet 100, MedGen C0004135, MONDO:0008840, OMIM 208900.

Submission:

Labcorp Genetics (formerly Invitae), Labcorp
Classification: Pathogenic for Ataxia-telangiectasia syndrome. Last evaluated: 2021-02-11. Review status: criteria provided, single submitter. Criteria: Invitae Variant Classification Sherloc (09022015). Collection method: clinical testing. Allele origin: germline.
Comment: A gross deletion of the genomic region encompassing the full coding sequence of the ATM gene has been identified. Loss-of-function variants in ATM are known to be pathogenic (PMID: 23807571, 25614872). The boundaries of this event are unknown as they extend beyond the assayed region for this gene and therefore may encompass additional genes. This variant has not been reported in the literature in individuals with ATM-related conditions. For these reasons, this variant has been classified as Pathogenic.

Literature cited by the submitters: PubMed 23807571; PubMed 25614872.